The following is an entry in ClinVar:

NM_000478.6(ALPL):c.1157G>A (p.Gly386Asp)

Gene: ALPL (alkaline phosphatase, biomineralization associated; plus strand). Cytogenetic location: 1p36.12.
Variant type: single nucleotide variant.
Coding change: c.1157G>A on transcript NM_000478.6 (MANE Select); coding-DNA position 1157, G replaced by A.
Protein change: p.Gly386Asp; replaces glycine 386 with aspartic acid.
Molecular consequence: missense variant.
Genome position (GRCh38, 1-based): chr1:21,575,892, G>A. VCF-style: chr1-21575892-G-A. GRCh37 (hg19) VCF-style: chr1-21902385-G-A.
Other names: c.992G>A, p.Gly331Asp (NM_001127501.4); c.926G>A, p.Gly309Asp (NM_001177520.3); c.1157G>A, p.Gly386Asp (NM_001369803.2, NM_001369804.2, NM_001369805.2); short protein forms G309D, G331D, G386D.
Identifiers: ClinVar variation 2664938 (VCV002664938.2), dbSNP rs2545342765, ClinGen allele CA338881435.

ClinVar aggregate classification (germline): Likely pathogenic. Review status: criteria provided, multiple submitters, no conflicts (2 of 4 stars). 2 submissions from 2 submitters: Likely pathogenic (2). Last evaluated 2025-08-29.

Conditions:
Hypophosphatasia. Also called: Phosphoethanol-aminuria. Identifiers: Orphanet 436, MedGen C0020630, MeSH D007014, MONDO:0018570.

Submissions (2):

Genomenon, Inc
Classification: Likely pathogenic for Hypophosphatasia. Last evaluated: 2025-08-29. Review status: criteria provided, single submitter. Criteria: Genomenon Sequence Variant Interpretation Standards. Collection method: curation. Allele origin: germline. Affected: yes.
Comment: ALPL Gly386Asp (c.1157G>A) is a missense variant that changes the amino acid at residue 386 from Glycine to Aspartic acid. This variant has been observed in at least one proband affected with hypophosphatasia (PMID:33579333). It is absent or not present at a significant frequency in gnomAD. In silico models agree that this variant is possibly or probably damaging. The presence of pathogenic missense variant(s) at the same amino acid position indicates that this residue is likely important for protein function. In conclusion, we classify ALPL p.Gly386Asp (c.1157G>A) as a likely pathogenic variant.

JKU Lab, Dept of Paediatrics, Johannes Kepler University
Classification: Likely pathogenic for Hypophosphatasia. Last evaluated: 2023-06-20. Review status: criteria provided, single submitter. Criteria: ACMG Guidelines, 2015. Collection method: clinical testing. Allele origin: germline. Affected: yes. Observed: 1 heterozygote.
Comment: Absent in GnomAD. Functional testing at the JKU Lab and ACMG criteria applied can be looked up in the ALPL gene variant database.

Literature cited by the submitters: PubMed 33579333 (cited by Genomenon, Inc and JKU Lab, Dept of Paediatrics, Johannes Kepler University).